The following is an entry in ClinVar:

NM_001005242.3(PKP2):c.2383G>A (p.Ala795Thr)

Gene: PKP2 (plakophilin 2; minus strand). Cytogenetic location: 12p11.21.
Variant type: single nucleotide variant.
Coding change: c.2383G>A on transcript NM_001005242.3 (MANE Select); coding-DNA position 2383, G replaced by A.
Protein change: p.Ala795Thr; replaces alanine 795 with threonine.
Molecular consequence: missense variant. On other transcripts: synonymous variant (2).
Genome position (GRCh38, 1-based): chr12:32,792,706, C>T on the plus strand (G>A on the coding strand, the complement: PKP2 is on the minus strand). VCF-style: chr12-32792706-C-T. GRCh37 (hg19) VCF-style: chr12-32945640-C-T.
Other names: c.2193G>A, p.Lys731= (NM_001407155.1); c.2218G>A, p.Ala740Thr (NM_001407156.1); c.2056G>A, p.Ala686Thr (NM_001407158.1, NM_001407159.1); c.1866G>A, p.Lys622= (NM_001407160.1); c.2515G>A, p.Ala839Thr (NM_004572.4); short protein forms A839T, A686T, A740T, A795T.
Identifiers: ClinVar variation 2833539 (VCV002833539.3), dbSNP rs2541184887, ClinGen allele CA384356953.

ClinVar aggregate classification (germline): Uncertain significance (1 of 4 stars; one submission).

Conditions:
Arrhythmogenic right ventricular dysplasia 9 (ARVD9). Also called: ARRHYTHMOGENIC RIGHT VENTRICULAR DYSPLASIA, FAMILIAL, 9; Arrhythmogenic Right Ventricular Dysplasia/Cardiomyopathy 9. Identifiers: MedGen C1836906, MONDO:0012180, OMIM 609040.

Submission:

Labcorp Genetics (formerly Invitae), Labcorp
Classification: Uncertain significance for Arrhythmogenic right ventricular dysplasia 9. Last evaluated: 2023-02-01. Review status: criteria provided, single submitter. Criteria: Invitae Variant Classification Sherloc (09022015). Collection method: clinical testing. Allele origin: germline.
Comment: In summary, the available evidence is currently insufficient to determine the role of this variant in disease. Therefore, it has been classified as a Variant of Uncertain Significance. Algorithms developed to predict the effect of missense changes on protein structure and function (SIFT, PolyPhen-2, Align-GVGD) all suggest that this variant is likely to be disruptive. This variant has not been reported in the literature in individuals affected with PKP2-related conditions. This variant is not present in population databases (gnomAD no frequency). This sequence change replaces alanine, which is neutral and non-polar, with threonine, which is neutral and polar, at codon 839 of the PKP2 protein (p.Ala839Thr).